The following is an entry in ClinVar:

ClinVar aggregate classification (germline): Uncertain significance. Review status: criteria provided, multiple submitters, no conflicts (2 of 4 stars). 3 submissions from 3 submitters: Uncertain significance (3). Last evaluated 2021-10-09.

Conditions:
Hypertrophic cardiomyopathy 9. Also called: Familial hypertrophic cardiomyopathy 9. Identifiers: MedGen C1861065, MONDO:0013412, OMIM 613765.
Dilated cardiomyopathy 1G (CMD1G). Identifiers: Orphanet 154, MedGen C1858763, MONDO:0011400, OMIM 604145.
Tibial muscular dystrophy (TMD). Also called: UDD MYOPATHY; Tibial muscular dystrophy, tardive; Udd Distal Myopathy – Tibial Muscular Dystrophy. Identifiers: Orphanet 609, MedGen C1838244, MONDO:0010870, OMIM 600334.
Autosomal recessive limb-girdle muscular dystrophy type 2J (LGMDR10). Also called: Limb-girdle muscular dystrophy, type 2J; MUSCULAR DYSTROPHY, LIMB-GIRDLE, AUTOSOMAL RECESSIVE 10. Identifiers: Orphanet 140922, MedGen C1837342, MONDO:0012127, OMIM 608807.
Early-onset myopathy with fatal cardiomyopathy (CMYO5). Also called: Salih Myopathy; CONGENITAL MYOPATHY 5 WITH CARDIOMYOPATHY. Identifiers: Orphanet 289377, MedGen C2673677, MONDO:0012714, OMIM 611705. Disease mechanism: loss of function.
Myopathy, myofibrillar, 9, with early respiratory failure (MFM9). Also called: MYOPATHY, PROXIMAL, WITH EARLY RESPIRATORY MUSCLE INVOLVEMENT; Hereditary myopathy with early respiratory failure; Myopathy, distal, with early respiratory failure, autosomal dominant; EDSTROM MYOPATHY. Identifiers: Orphanet 178464, Orphanet 34521, MedGen C1863599, MONDO:0011362, OMIM 603689.
Cardiovascular phenotype. Identifiers: MedGen CN230736.

Allele frequency attached by ClinVar (database versions not stated): gnomAD exomes below 0.00001 and 0.00002; TOPMed below 0.00001.
gnomAD v4.1: 29 of 1,613,254 alleles (0.0018%); highest among the groups gnomAD compares: East Asian, 0.0022%; no homozygotes.

Submissions (3):

Women's Health and Genetics/Laboratory Corporation of America, LabCorp
Classification: Uncertain significance. Last evaluated: 2021-10-09. Review status: criteria provided, single submitter. Criteria: LabCorp Variant Classification Summary - May 2015. Collection method: clinical testing. Allele origin: germline.

Fulgent Genetics
Classification: Uncertain significance for Tibial muscular dystrophy; Myopathy, myofibrillar, 9, with early respiratory failure; Dilated cardiomyopathy 1G; Autosomal recessive limb-girdle muscular dystrophy type 2J; Early-onset myopathy with fatal cardiomyopathy; Hypertrophic cardiomyopathy 9. Last evaluated: 2021-09-23. Review status: criteria provided, single submitter. Criteria: ACMG Guidelines, 2015. Collection method: clinical testing. Allele origin: unknown.

Ambry Genetics
Classification: Uncertain significance for Cardiovascular phenotype. Last evaluated: 2018-06-13. Review status: criteria provided, single submitter. Criteria: Ambry Variant Classification Scheme 2023. Collection method: clinical testing. Allele origin: germline.
Comment: The p.E20553K variant (also known as c.61657G>A), located in coding exon 159 of the TTN gene, results from a G to A substitution at nucleotide position 61657. The glutamic acid at codon 20553 is replaced by lysine, an amino acid with similar properties. This amino acid position is poorly conserved in available vertebrate species. In addition, this alteration is predicted to be tolerated by in silico analysis. Since supporting evidence is limited at this time, the clinical significance of this alteration remains unclear.

NM_001267550.2(TTN):c.88852G>A (p.Glu29618Lys)

Genes: TTN (titin; minus strand), TTN-AS1 (TTN antisense RNA 1; plus strand). Cytogenetic location: 2q31.2.
Variant type: single nucleotide variant.
Coding change: c.88852G>A on transcript NM_001267550.2 (MANE Select); coding-DNA position 88852, G replaced by A.
Protein change: p.Glu29618Lys; replaces glutamic acid 29618 with lysine.
Molecular consequence: missense variant.
Genome position (GRCh38, 1-based): chr2:178,554,495, C>T on the plus strand (G>A on the coding strand, the complement: TTN is on the minus strand). VCF-style: chr2-178554495-C-T. GRCh37 (hg19) VCF-style: chr2-179419222-C-T.
Other names: c.62032G>A, p.Glu20678Lys (NM_133432.3); c.62233G>A, p.Glu20745Lys (NM_133437.4); c.83929G>A, p.Glu27977Lys (NM_001256850.1); c.61657G>A, p.Glu20553Lys (NM_003319.4); c.81148G>A, p.Glu27050Lys (NM_133378.4); short protein forms E20553K, E20678K, E20745K, E27050K, E27977K, E29618K.
Identifiers: ClinVar variation 1321355 (VCV001321355.4), dbSNP rs879222602, ClinGen allele CA60979791.